The following is an entry in ClinVar:

NM_018943.3(TUBA8):c.1174G>A (p.Asp392Asn)

Gene: TUBA8 (tubulin alpha 8; plus strand). Cytogenetic location: 22q11.21.
Variant type: single nucleotide variant.
Coding change: c.1174G>A on transcript NM_018943.3 (MANE Select); coding-DNA position 1174, G replaced by A.
Protein change: p.Asp392Asn; replaces aspartic acid 392 with asparagine.
Molecular consequence: missense variant.
Genome position (GRCh38, 1-based): chr22:18,130,960, G>A. VCF-style: chr22-18130960-G-A. GRCh37 (hg19) VCF-style: chr22-18613727-G-A.
Other names: c.976G>A, p.Asp326Asn (NM_001193414.2); short protein forms D392N, D326N.
Identifiers: ClinVar variation 2982136 (VCV002982136.3), dbSNP rs1380293843, ClinGen allele CA410266895.
Genomic context (GRCh38, chr22:18,130,960, plus strand): 5'-CAGCGGGCCGTCTGCATGCTCAGCAACACCACGGCCATTGCGGAGGCCTGGGCCCGCCTC[G>A]ACCACAAGTTCGACCTCATGTACGCCAAGCGGGCCTTTGTGCATTGGTATGTGGGAGAGG-3'
Protein context (NP_061816.1, residues 382-402): TAIAEAWARL[Asp392Asn]HKFDLMYAKR

ClinVar aggregate classification (germline): Uncertain significance (1 of 4 stars; one submission).

Allele frequency attached by ClinVar (database versions not stated): gnomAD 0.00001.

Submission:

Labcorp Genetics (formerly Invitae), Labcorp
Classification: Uncertain significance. Last evaluated: 2023-10-18. Review status: criteria provided, single submitter. Criteria: Invitae Variant Classification Sherloc (09022015). Collection method: clinical testing. Allele origin: germline.
Comment: This sequence change replaces aspartic acid, which is acidic and polar, with asparagine, which is neutral and polar, at codon 392 of the TUBA8 protein (p.Asp392Asn). This variant is present in population databases (no rsID available, gnomAD 0.005%). This variant has not been reported in the literature in individuals affected with TUBA8-related conditions. Advanced modeling of protein sequence and biophysical properties (such as structural, functional, and spatial information, amino acid conservation, physicochemical variation, residue mobility, and thermodynamic stability) performed at Invitae indicates that this missense variant is not expected to disrupt TUBA8 protein function. In summary, the available evidence is currently insufficient to determine the role of this variant in disease. Therefore, it has been classified as a Variant of Uncertain Significance.